The following is an entry in ClinVar:

ClinVar aggregate classification (germline): Likely benign. Review status: criteria provided, multiple submitters, no conflicts (2 of 4 stars). 2 submissions from 2 submitters: Likely benign (2). Last evaluated 2026-04-07.

Conditions:
KIF1A-related disorder. Also called: KIF1A-related disorders; KIF1A-related condition.
Neuropathy, hereditary sensory, type 2C. Also called: KIF1A-Related HSAN2 (HSAN2C); Hereditary sensory and autonomic neuropathy type IIC. Identifiers: Orphanet 970, MedGen C3280168, MONDO:0013634, OMIM 614213.
Intellectual disability, autosomal dominant 9 (NESCAVS). Also called: KIF1A-Related Neurodevelopmental Disorder; NESCAV SYNDROME. Identifiers: Orphanet 662367, MedGen C5393830, MONDO:0013656, OMIM 614255.
Hereditary spastic paraplegia 30. Identifiers: Orphanet 101010, MedGen C5235139, MONDO:0012476.

Allele frequency attached by ClinVar (database versions not stated): gnomAD exomes 0.00001; TOPMed 0.00001.
gnomAD v4.1: 14 of 1,612,386 alleles (0.00087%); highest among the groups gnomAD compares: South Asian, 0.0033%; no homozygotes.

Submissions (2):

PreventionGenetics, part of Exact Sciences
Classification: Likely benign for KIF1A-related condition. Last evaluated: 2026-04-07. Review status: criteria provided, single submitter. Criteria: ACMG Guidelines, 2015. Collection method: clinical testing. Allele origin: germline.
Comment: This variant is classified as likely benign based on ACMG/AMP sequence variant interpretation guidelines (Richards et al. 2015 PMID: 25741868, with internal and published modifications).

Labcorp Genetics (formerly Invitae), Labcorp
Classification: Likely benign for Hereditary spastic paraplegia 30; Neuropathy, hereditary sensory, type 2C; Intellectual disability, autosomal dominant 9. Last evaluated: 2025-10-01. Review status: criteria provided, single submitter. Criteria: Invitae Variant Classification Sherloc (09022015). Collection method: clinical testing. Allele origin: germline.

NM_001244008.2(KIF1A):c.4305C>T (p.Asp1435=)

Gene: KIF1A (kinesin family member 1A; minus strand). Cytogenetic location: 2q37.3.
Variant type: single nucleotide variant.
Coding change: c.4305C>T on transcript NM_001244008.2 (MANE Select); coding-DNA position 4305, C replaced by T.
Protein change: p.Asp1435=; no amino-acid change (aspartic acid 1435 retained).
Molecular consequence: synonymous variant.
Genome position (GRCh38, 1-based): chr2:240,723,988, G>A on the plus strand (C>T on the coding strand, the complement: KIF1A is on the minus strand). VCF-style: chr2-240723988-G-A. GRCh37 (hg19) VCF-style: chr2-241663405-G-A.
Other names: c.4002C>T, p.Asp1334= (NM_004321.8, NM_001379641.1, NM_001379650.1 and 2 more transcripts); c.4305C>T, p.Asp1435= (NM_001379642.1); c.4278C>T, p.Asp1426= (NM_001379645.1, NM_001379633.1); c.4128C>T, p.Asp1376= (NM_001379646.1, NM_001379635.1); c.4104C>T, p.Asp1368= (NM_001379648.1, NM_001330290.2); c.4029C>T, p.Asp1343= (NM_001379649.1, NM_001320705.2); c.4056C>T, p.Asp1352= (NM_001330289.2); c.4380C>T, p.Asp1460= (NM_001379631.1); and 8 more.
Identifiers: ClinVar variation 1079245 (VCV001079245.10), dbSNP rs962460784, ClinGen allele CA68139022.